The following is an entry in ClinVar:

NM_006019.4(TCIRG1):c.948G>C (p.Lys316Asn)

Gene: TCIRG1 (T cell immune regulator 1, ATPase H+ transporting V0 subunit a3; plus strand). Cytogenetic location: 11q13.2.
Variant type: single nucleotide variant.
Coding change: c.948G>C on transcript NM_006019.4 (MANE Select); coding-DNA position 948, G replaced by C.
Protein change: p.Lys316Asn; replaces lysine 316 with asparagine.
Molecular consequence: missense variant. On other transcripts: intron variant (4).
Genome position (GRCh38, 1-based): chr11:68,044,272, G>C. VCF-style: chr11-68044272-G-C. GRCh37 (hg19) VCF-style: chr11-67811739-G-C.
Other names: c.54G>C, p.Lys18Asn (NM_001351059.2); c.948G>C, p.Lys316Asn (NM_001440552.1, NM_001440553.1, NM_001440554.1 and 2 more transcripts); c.906G>C, p.Lys302Asn (NM_001440555.1, NM_001440556.1, NM_001440563.1); c.735G>C, p.Lys245Asn (NM_001440561.1, NM_001440562.1, NM_001440566.1 and 1 more transcripts); c.693G>C, p.Lys231Asn (NM_001440564.1); c.648G>C, p.Lys216Asn (NM_001440565.1); c.300G>C, p.Lys100Asn (NM_006053.4); c.807+365G>C (NM_001440559.1, NM_001440560.1); and 2 more; short protein forms K231N, K100N, K245N, K216N, K316N, K18N, K302N.
Identifiers: ClinVar variation 4705831 (VCV004705831.1).

ClinVar aggregate classification (germline): Uncertain significance (1 of 4 stars; one submission).

gnomAD v4.1: 3 of 1,604,958 alleles (0.00019%); highest among the groups gnomAD compares: African/African-American, 0.0027%; no homozygotes.

Submission:

Labcorp Genetics (formerly Invitae), Labcorp
Classification: Uncertain significance. Last evaluated: 2025-12-11. Review status: criteria provided, single submitter. Criteria: Invitae Variant Classification Sherloc (09022015). Collection method: clinical testing. Allele origin: germline.
Comment: This sequence change replaces lysine, which is basic and polar, with asparagine, which is neutral and polar, at codon 316 of the TCIRG1 protein (p.Lys316Asn). This variant is not present in population databases (gnomAD no frequency). This variant has not been reported in the literature in individuals affected with TCIRG1-related conditions. Invitae Evidence Modeling of protein sequence and biophysical properties (such as structural, functional, and spatial information, amino acid conservation, physicochemical variation, residue mobility, and thermodynamic stability) indicates that this missense variant is not expected to disrupt TCIRG1 protein function with a negative predictive value of 80%. In summary, the available evidence is currently insufficient to determine the role of this variant in disease. Therefore, it has been classified as a Variant of Uncertain Significance.